The following is an entry in ClinVar:

NM_001943.5(DSG2):c.1612C>G (p.Pro538Ala)

Gene: DSG2 (desmoglein 2; plus strand). Cytogenetic location: 18q12.1.
Variant type: single nucleotide variant.
Coding change: c.1612C>G on transcript NM_001943.5 (MANE Select); coding-DNA position 1612, C replaced by G.
Protein change: p.Pro538Ala; replaces proline 538 with alanine.
Molecular consequence: missense variant.
Genome position (GRCh38, 1-based): chr18:31,536,390, C>G. VCF-style: chr18-31536390-C-G. GRCh37 (hg19) VCF-style: chr18-29116353-C-G.
Other names: short protein forms P538A.
Identifiers: ClinVar variation 3386589 (VCV003386589.4).

ClinVar aggregate classification (germline): Uncertain significance. Review status: criteria provided, multiple submitters, no conflicts (2 of 4 stars). 3 submissions from 3 submitters: Uncertain significance (3). Last evaluated 2024-09-15.

Conditions:
Arrhythmogenic right ventricular dysplasia 10. Also called: ARRHYTHMOGENIC RIGHT VENTRICULAR DYSPLASIA, FAMILIAL, 10; Arrhythmogenic Right Ventricular Dysplasia/Cardiomyopathy10; Arrhythmogenic right ventricular dysplasia/cardiomyopathy, type 10. Identifiers: MedGen C1857777, MONDO:0012434, OMIM 610193.
Cardiomyopathy (CMYO). Also called: Cardiomyopathies. Identifiers: Orphanet 167848, MedGen C0878544, MONDO:0004994, HP:0001638. Inheritance: Various modes of inheritance.
Arrhythmogenic right ventricular cardiomyopathy (ARVD). Also called: Arrhythmogenic right ventricular dysplasia; Cardiomyopathy, ARVC; Arrhythmogenic cardiomyopathy; Arrhythmogenic Right Ventricular Cardiomyopathy (ARVC). Identifiers: Orphanet 247, MedGen C0349788, MeSH D019571, MONDO:0016587. Disease mechanism: loss of function. Inheritance: Various modes of inheritance.

gnomAD v4.1: 3 of 1,614,080 alleles (0.00019%); highest among the groups gnomAD compares: Non-Finnish European, 0.00025%; no homozygotes.

Submissions (3):

Labcorp Genetics (formerly Invitae), Labcorp
Classification: Uncertain significance for Arrhythmogenic right ventricular dysplasia 10. Last evaluated: 2024-09-15. Review status: criteria provided, single submitter. Criteria: Invitae Variant Classification Sherloc (09022015). Collection method: clinical testing. Allele origin: germline.
Comment: This sequence change replaces proline, which is neutral and non-polar, with alanine, which is neutral and non-polar, at codon 538 of the DSG2 protein (p.Pro538Ala). This variant is present in population databases (rs766053352, gnomAD 0.002%). This variant has not been reported in the literature in individuals affected with DSG2-related conditions. Invitae Evidence Modeling of protein sequence and biophysical properties (such as structural, functional, and spatial information, amino acid conservation, physicochemical variation, residue mobility, and thermodynamic stability) indicates that this missense variant is not expected to disrupt DSG2 protein function with a negative predictive value of 95%. In summary, the available evidence is currently insufficient to determine the role of this variant in disease. Therefore, it has been classified as a Variant of Uncertain Significance.

All of Us Research Program, National Institutes of Health
Classification: Uncertain significance for Arrhythmogenic right ventricular cardiomyopathy. Last evaluated: 2024-02-22. Review status: criteria provided, single submitter. Criteria: ACMG Guidelines, 2015. Collection method: clinical testing. Allele origin: germline. Inheritance: Autosomal dominant inheritance. Observed: 1 variant allele, 1 heterozygote.
Comment: This missense variant replaces proline with alanine at codon 538 of the DSG2 protein. Computational prediction suggests that this variant may not impact protein structure and function (internally defined REVEL score threshold <= 0.5, PMID: 27666373). To our knowledge, functional studies have not been reported for this variant. This variant has not been reported in individuals affected with DSG2-related disorders in the literature. This variant has been identified in 2/249220 chromosomes in the general population by the Genome Aggregation Database (gnomAD). The available evidence is insufficient to determine the role of this variant in disease conclusively. Therefore, this variant is classified as a Variant of Uncertain Significance.

This study involves interpretation of variants in research participants for the purpose of population health screening. Participant phenotype was not available at the time of variant classification. Additional details can be found in publication PMID: 35346344, PMCID: PMC8962531

Color Diagnostics, LLC DBA Color Health
Classification: Uncertain significance for Cardiomyopathy. Last evaluated: 2024-01-30. Review status: criteria provided, single submitter. Criteria: ACMG Guidelines, 2015. Collection method: clinical testing. Allele origin: germline.
Comment: This missense variant replaces proline with alanine at codon 538 of the DSG2 protein. Computational prediction suggests that this variant may not impact protein structure and function. To our knowledge, functional studies have not been reported for this variant. This variant has not been reported in individuals affected with DSG2-related disorders in the literature. This variant has been identified in 2/249220 chromosomes in the general population by the Genome Aggregation Database (gnomAD). The available evidence is insufficient to determine the role of this variant in disease conclusively. Therefore, this variant is classified as a Variant of Uncertain Significance.